The following is an entry in ClinVar:

ClinVar aggregate classification (germline): Uncertain significance. Review status: criteria provided, multiple submitters, no conflicts (2 of 4 stars). 2 submissions from 2 submitters: Uncertain significance (2). Last evaluated 2025-11-03.

Conditions:
Hereditary cancer-predisposing syndrome. Also called: Neoplastic Syndromes, Hereditary; Tumor predisposition; Hereditary neoplastic syndrome; Hereditary Cancer Syndrome. Identifiers: Orphanet 140162, MedGen C0027672, MeSH D009386, MONDO:0015356.
EGFR-related lung cancer (EGFR). Identifiers: MedGen CN130014.

Submissions (2):

Labcorp Genetics (formerly Invitae), Labcorp
Classification: Uncertain significance for EGFR-related lung cancer. Last evaluated: 2025-11-03. Review status: criteria provided, single submitter. Criteria: Invitae Variant Classification Sherloc (09022015). Collection method: clinical testing. Allele origin: germline.
Comment: This sequence change replaces arginine, which is basic and polar, with glycine, which is neutral and non-polar, at codon 1121 of the EGFR protein (p.Arg1121Gly). This variant is not present in population databases (gnomAD no frequency). This variant has not been reported in the literature in individuals affected with EGFR-related conditions. ClinVar contains an entry for this variant (Variation ID: 1352012). An algorithm developed to predict the effect of missense changes on protein structure and function (PolyPhen-2) suggests that this variant is likely to be tolerated. In summary, the available evidence is currently insufficient to determine the role of this variant in disease. Therefore, it has been classified as a Variant of Uncertain Significance.

Ambry Genetics
Classification: Uncertain significance for Hereditary cancer-predisposing syndrome. Last evaluated: 2025-04-17. Review status: criteria provided, single submitter. Criteria: Ambry Variant Classification Scheme 2023. Collection method: clinical testing. Allele origin: germline.
Comment: The p.R1121G variant (also known as c.3361A>G), located in coding exon 28 of the EGFR gene, results from an A to G substitution at nucleotide position 3361. The arginine at codon 1121 is replaced by glycine, an amino acid with dissimilar properties. This amino acid position is conserved. In addition, this alteration is predicted to be tolerated by in silico analysis. Based on the available evidence, the clinical significance of this variant remains unclear.

NM_005228.5(EGFR):c.3361A>G (p.Arg1121Gly)

Gene: EGFR (epidermal growth factor receptor; plus strand). Cytogenetic location: 7p11.2.
Variant type: single nucleotide variant.
Coding change: c.3361A>G on transcript NM_005228.5 (MANE Select); coding-DNA position 3361, A replaced by G.
Protein change: p.Arg1121Gly; replaces arginine 1121 with glycine.
Molecular consequence: missense variant.
Genome position (GRCh38, 1-based): chr7:55,205,345, A>G. VCF-style: chr7-55205345-A-G. GRCh37 (hg19) VCF-style: chr7-55273038-A-G.
Other names: c.3361A>G (NM_005228.3); c.3226A>G, p.Arg1076Gly (NM_001346899.2); c.3202A>G, p.Arg1068Gly (NM_001346900.2); c.2560A>G, p.Arg854Gly (NM_001346941.2); short protein forms R1121G, R854G, R1068G, R1076G.
Identifiers: ClinVar variation 1352012 (VCV001352012.8), dbSNP rs1788066370, ClinGen allele CA367584444.